The following is an entry in ClinVar:

ClinVar aggregate classification (germline): Benign. Review status: criteria provided, multiple submitters, no conflicts (2 of 4 stars). 4 submissions from 4 submitters: Benign (4). Last evaluated 2023-02-01.

Allele frequency attached by ClinVar (database versions not stated): ESP Exome Variant Server 0.00423; TOPMed 0.00462; gnomAD exomes 0.00474 and 0.00392; ExAC 0.00865; gnomAD 0.00386 and 0.00397; 1000 Genomes Project 30x 0.00094; 1000 Genomes Project 0.00120.
gnomAD v4.1: 6,363 of 1,578,322 alleles (0.4%); highest among the groups gnomAD compares: Middle Eastern, 3%; 32 homozygotes.

Submissions (4):

CeGaT Center for Human Genetics Tuebingen
Classification: Benign. Last evaluated: 2023-02-01. Review status: criteria provided, single submitter. Criteria: CeGaT Center For Human Genetics Tuebingen Variant Classification Criteria Version 2. Collection method: clinical testing. Allele origin: germline. Affected: yes. Observed: 1 variant allele.
Comment: PRSS8: BS1, BS2

Dubai Health Genomic Medicine Center, Dubai Health
Classification: Benign. Last evaluated: 2020-01-02. Review status: criteria provided, single submitter. Criteria: ACMG Guidelines, 2015. Collection method: clinical testing. Allele origin: germline. Affected: yes.

Labcorp Genetics (formerly Invitae), Labcorp
Classification: Benign. Last evaluated: 2018-06-05. Review status: criteria provided, single submitter. Criteria: Invitae Variant Classification Sherloc (09022015). Collection method: clinical testing. Allele origin: germline.

Breakthrough Genomics
Classification: Benign. Review status: criteria provided, single submitter. Criteria: ACMG Guidelines, 2015. Collection method: not provided. Allele origin: germline. Inheritance: Unknown mechanism. Affected: yes.

NM_002773.5(PRSS8):c.23G>A (p.Gly8Glu)

Gene: PRSS8 (serine protease 8; minus strand). Cytogenetic location: 16p11.2.
Variant type: single nucleotide variant.
Coding change: c.23G>A on transcript NM_002773.5 (MANE Select); coding-DNA position 23, G replaced by A.
Protein change: p.Gly8Glu; replaces glycine 8 with glutamic acid.
Molecular consequence: missense variant.
Genome position (GRCh38, 1-based): chr16:31,135,476, C>T on the plus strand (G>A on the coding strand, the complement: PRSS8 is on the minus strand). VCF-style: chr16-31135476-C-T. GRCh37 (hg19) VCF-style: chr16-31146797-C-T.
Other names: short protein forms G8E.
Identifiers: ClinVar variation 771199 (VCV000771199.30), dbSNP rs148529565, ClinGen allele CA8022546.